The following is an entry in ClinVar:

NM_001283009.2(RTEL1):c.2353_2355del (p.Ser785del)

Genes: RTEL1 (regulator of telomere elongation helicase 1; plus strand), RTEL1-TNFRSF6B (RTEL1-TNFRSF6B readthrough (NMD candidate); plus strand). Cytogenetic location: 20q13.33.
Variant type: Deletion.
Coding change: c.2353_2355del on transcript NM_001283009.2 (MANE Select); coding-DNA positions 2353 to 2355, 3 bases deleted (TCC; older notation c.2353_2355delTCC).
Protein change: p.Ser785del; deletes serine 785.
Molecular consequence: inframe deletion. On other transcripts: non-coding transcript variant (1).
Genome position (GRCh38, 1-based): chr20:63,690,381-63,690,383, TCC deleted; deleting any 3 consecutive bases within chr20:63,690,380-63,690,383 gives the same sequence; the c. name uses the placement nearest the transcript's 3' end. VCF-style (leftmost placement, unchanged base first): chr20-63690379-TCTC-T. GRCh37 (hg19) VCF-style: chr20-62321732-TCTC-T.
Other names: c.1684_1686del, p.Ser562del (NM_001283010.1); c.2353_2355del, p.Ser785del (NM_016434.4); c.2425_2427del, p.Ser809del (NM_032957.5); short protein forms S562del, S785del, S809del.
Identifiers: ClinVar variation 3749599 (VCV003749599.2).

ClinVar aggregate classification (germline): Uncertain significance (1 of 4 stars; one submission).

Conditions:
Pulmonary fibrosis and/or bone marrow failure, Telomere-related, 3. Also called: PULMONARY FIBROSIS AND/OR BONE MARROW FAILURE SYNDROME, TELOMERE-RELATED, 3. Identifiers: Orphanet 2032, MedGen C4225346, MONDO:0014613, OMIM 616373.
Dyskeratosis congenita, autosomal recessive 5 (DKCB5). Identifiers: MedGen C3554656, MONDO:0014076, OMIM 615190.

Submission:

Labcorp Genetics (formerly Invitae), Labcorp
Classification: Uncertain significance for Dyskeratosis congenita, autosomal recessive 5; Pulmonary fibrosis and/or bone marrow failure, Telomere-related, 3. Last evaluated: 2024-03-19. Review status: criteria provided, single submitter. Criteria: Invitae Variant Classification Sherloc (09022015). Collection method: clinical testing. Allele origin: germline.
Comment: This variant, c.2353_2355del, results in the deletion of 1 amino acid(s) of the RTEL1 protein (p.Ser785del), but otherwise preserves the integrity of the reading frame. This variant is not present in population databases (gnomAD no frequency). This variant has not been reported in the literature in individuals affected with RTEL1-related conditions. Experimental studies and prediction algorithms are not available or were not evaluated, and the functional significance of this variant is currently unknown. In summary, the available evidence is currently insufficient to determine the role of this variant in disease. Therefore, it has been classified as a Variant of Uncertain Significance.